The following is an entry in ClinVar:

ClinVar aggregate classification (germline): Benign/Likely benign. Review status: criteria provided, multiple submitters, no conflicts (2 of 4 stars). 3 submissions from 3 submitters: Benign (1); Likely benign (1). 1 of the submissions does not count toward it. Last evaluated 2026-01-18.

Conditions:
ARSG-related disorder. Also called: ARSG-related condition.

Allele frequency attached by ClinVar (database versions not stated): gnomAD exomes 0.00031 and 0.00088; ExAC 0.00118; 1000 Genomes Project 30x 0.00187; 1000 Genomes Project 0.00220; gnomAD 0.00328 and 0.00356; ESP Exome Variant Server 0.00500.
gnomAD v4.1: 981 of 1,613,970 alleles (0.061%); highest among the groups gnomAD compares: African/African-American, 1.2%; 6 homozygotes.

Submissions (3):

Labcorp Genetics (formerly Invitae), Labcorp
Classification: Benign. Last evaluated: 2026-01-18. Review status: criteria provided, single submitter. Criteria: Invitae Variant Classification Sherloc (09022015). Collection method: clinical testing. Allele origin: germline.

Blueprint Genetics
Classification: Likely benign. Last evaluated: 2024-08-21. Review status: criteria provided, single submitter. Criteria: ACMG Guidelines, 2015. Collection method: clinical testing. Allele origin: germline.

PreventionGenetics, part of Exact Sciences
Classification: Benign for ARSG-related condition. Last evaluated: 2019-04-24. Review status: no assertion criteria provided. Collection method: clinical testing. Allele origin: germline. Not counted in ClinVar's aggregate classification.
Comment: This variant is classified as benign based on ACMG/AMP sequence variant interpretation guidelines (Richards et al. 2015 PMID: 25741868, with internal and published modifications).

NM_001267727.2(ARSG):c.1233C>T (p.Ser411=)

Gene: ARSG (arylsulfatase G; plus strand). Cytogenetic location: 17q24.2.
Variant type: single nucleotide variant.
Coding change: c.1233C>T on transcript NM_001267727.2 (MANE Select); coding-DNA position 1233, C replaced by T.
Protein change: p.Ser411=; no amino-acid change (serine 411 retained).
Molecular consequence: synonymous variant.
Genome position (GRCh38, 1-based): chr17:68,401,380, C>T. VCF-style: chr17-68401380-C-T. GRCh37 (hg19) VCF-style: chr17-66397521-C-T.
Other names: c.1233C>T, p.Ser411= (NM_001352899.2, NM_001352900.2, NM_001352901.2 and 3 more transcripts); c.1230C>T, p.Ser410= (NM_001352903.2, NM_001352904.2, NM_001352905.2 and 2 more transcripts); c.1185C>T, p.Ser395= (NM_001352909.2); c.1233C>T (NM_014960.4).
Identifiers: ClinVar variation 1165739 (VCV001165739.12), dbSNP rs62638719, ClinGen allele CA8728530.